The following is an entry in ClinVar:

NM_000493.4(COL10A1):c.2009C>A (p.Ser670Tyr)

Genes: COL10A1 (collagen type X alpha 1 chain; minus strand), NT5DC1 (5'-nucleotidase domain containing 1; plus strand). Cytogenetic location: 6q22.1.
Variant type: single nucleotide variant.
Coding change: c.2009C>A on transcript NM_000493.4 (MANE Select); coding-DNA position 2009, C replaced by A.
Protein change: p.Ser670Tyr; replaces serine 670 with tyrosine.
Molecular consequence: missense variant. On other transcripts: intron variant (1).
Genome position (GRCh38, 1-based): chr6:116,120,107, G>T on the plus strand (C>A on the coding strand, the complement: COL10A1 is on the minus strand). VCF-style: chr6-116120107-G-T. GRCh37 (hg19) VCF-style: chr6-116441270-G-T.
Other names: c.2009C>A, p.Ser670Tyr (NM_001424106.1, NM_001424107.1); c.529+2162G>T (NM_152729.3); short protein forms S670Y.
Identifiers: ClinVar variation 3651292 (VCV003651292.2).

ClinVar aggregate classification (germline): Uncertain significance (1 of 4 stars; one submission).

Submission:

Labcorp Genetics (formerly Invitae), Labcorp
Classification: Uncertain significance. Last evaluated: 2024-04-26. Review status: criteria provided, single submitter. Criteria: Invitae Variant Classification Sherloc (09022015). Collection method: clinical testing. Allele origin: germline.
Comment: This sequence change replaces serine, which is neutral and polar, with tyrosine, which is neutral and polar, at codon 670 of the COL10A1 protein (p.Ser670Tyr). This variant is not present in population databases (gnomAD no frequency). This variant has not been reported in the literature in individuals affected with COL10A1-related conditions. Advanced modeling of protein sequence and biophysical properties (such as structural, functional, and spatial information, amino acid conservation, physicochemical variation, residue mobility, and thermodynamic stability) has been performed at Invitae for this missense variant, however the output from this modeling did not meet the statistical confidence thresholds required to predict the impact of this variant on COL10A1 protein function. In summary, the available evidence is currently insufficient to determine the role of this variant in disease. Therefore, it has been classified as a Variant of Uncertain Significance.